The following is an entry in ClinVar:

NM_000310.4(PPT1):c.850G>C (p.Ala284Pro)

Gene: PPT1 (palmitoyl-protein thioesterase 1; minus strand). Cytogenetic location: 1p34.2.
Variant type: single nucleotide variant.
Coding change: c.850G>C on transcript NM_000310.4 (MANE Select); coding-DNA position 850, G replaced by C.
Protein change: p.Ala284Pro; replaces alanine 284 with proline.
Molecular consequence: missense variant.
Genome position (GRCh38, 1-based): chr1:40,074,132, C>G on the plus strand (G>C on the coding strand, the complement: PPT1 is on the minus strand). VCF-style: chr1-40074132-C-G. GRCh37 (hg19) VCF-style: chr1-40539804-C-G.
Other names: c.541G>C, p.Ala181Pro (NM_001142604.2); c.778G>C, p.Ala260Pro (NM_001363695.2); short protein forms A284P, A181P, A260P.
Identifiers: ClinVar variation 862412 (VCV000862412.9), dbSNP rs1648437826, ClinGen allele CA339845603.

ClinVar aggregate classification (germline): Uncertain significance (1 of 4 stars; one submission).

Conditions:
Neuronal ceroid lipofuscinosis 1 (CLN1). Also called: CEROID LIPOFUSCINOSIS, NEURONAL, 1, VARIABLE AGE AT ONSET; PPT1-Related Neuronal Ceroid-Lipofuscinosis. Identifiers: Orphanet 228329, MedGen C1850451, MONDO:0009744, OMIM 256730.

Submission:

Labcorp Genetics (formerly Invitae), Labcorp
Classification: Uncertain significance for Neuronal ceroid lipofuscinosis 1. Last evaluated: 2023-06-26. Review status: criteria provided, single submitter. Criteria: Invitae Variant Classification Sherloc (09022015). Collection method: clinical testing. Allele origin: germline.
Comment: In summary, the available evidence is currently insufficient to determine the role of this variant in disease. Therefore, it has been classified as a Variant of Uncertain Significance. Advanced modeling of protein sequence and biophysical properties (such as structural, functional, and spatial information, amino acid conservation, physicochemical variation, residue mobility, and thermodynamic stability) has been performed at Invitae for this missense variant, however the output from this modeling did not meet the statistical confidence thresholds required to predict the impact of this variant on PPT1 protein function. ClinVar contains an entry for this variant (Variation ID: 862412). This variant has not been reported in the literature in individuals affected with PPT1-related conditions. This variant is not present in population databases (gnomAD no frequency). This sequence change replaces alanine, which is neutral and non-polar, with proline, which is neutral and non-polar, at codon 284 of the PPT1 protein (p.Ala284Pro).